The following is an entry in ClinVar:

NM_032776.3(JMJD1C):c.349G>A (p.Val117Ile)

Gene: JMJD1C (jumonji domain containing 1C; minus strand). Cytogenetic location: 10q21.3.
Variant type: single nucleotide variant.
Coding change: c.349G>A on transcript NM_032776.3 (MANE Select); coding-DNA position 349, G replaced by A.
Protein change: p.Val117Ile; replaces valine 117 with isoleucine.
Molecular consequence: missense variant. On other transcripts: 5 prime UTR variant (5), intron variant (1).
Genome position (GRCh38, 1-based): chr10:63,264,749, C>T on the plus strand (G>A on the coding strand, the complement: JMJD1C is on the minus strand). VCF-style: chr10-63264749-C-T. GRCh37 (hg19) VCF-style: chr10-65024509-C-T.
Other names: c.-198G>A (NM_001282948.2, NM_001318154.2); c.-520G>A (NM_001318153.2); c.-203G>A (NM_001322254.2, NM_001322258.2); c.334-44766G>A (NM_001322252.2); short protein forms V117I.
Identifiers: ClinVar variation 1015717 (VCV001015717.8), dbSNP rs1855320026, ClinGen allele CA377046155.

ClinVar aggregate classification (germline): Uncertain significance (1 of 4 stars; one submission).

Conditions:
Early Myoclonic Encephalopathy. Identifiers: MedGen C0270855.

Allele frequency attached by ClinVar (database versions not stated): TOPMed below 0.00001.

Submission:

Labcorp Genetics (formerly Invitae), Labcorp
Classification: Uncertain significance for Early Myoclonic Encephalopathy. Last evaluated: 2022-03-19. Review status: criteria provided, single submitter. Criteria: Invitae Variant Classification Sherloc (09022015). Collection method: clinical testing. Allele origin: germline.
Comment: In summary, the available evidence is currently insufficient to determine the role of this variant in disease. Therefore, it has been classified as a Variant of Uncertain Significance. Algorithms developed to predict the effect of missense changes on protein structure and function output the following: SIFT: "Deleterious"; PolyPhen-2: "Benign"; Align-GVGD: "Class C0". The isoleucine amino acid residue is found in multiple mammalian species, which suggests that this missense change does not adversely affect protein function. ClinVar contains an entry for this variant (Variation ID: 1015717). This missense change has been observed in individual(s) with clinical features of JMJD1C-related conditions (PMID: 31954878). This variant is not present in population databases (gnomAD no frequency). This sequence change replaces valine, which is neutral and non-polar, with isoleucine, which is neutral and non-polar, at codon 117 of the JMJD1C protein (p.Val117Ile).

Literature cited by the submitters: PubMed 31954878.